The following is an entry in ClinVar:

NM_001387263.1(PATL2):c.1373T>C (p.Ile458Thr)

Gene: PATL2 (PAT1 homolog 2; minus strand). Cytogenetic location: 15q21.1.
Variant type: single nucleotide variant.
Coding change: c.1373T>C on transcript NM_001387263.1 (MANE Select); coding-DNA position 1373, T replaced by C.
Protein change: p.Ile458Thr; replaces isoleucine 458 with threonine.
Molecular consequence: missense variant.
Genome position (GRCh38, 1-based): chr15:44,667,196, A>G on the plus strand (T>C on the coding strand, the complement: PATL2 is on the minus strand). VCF-style: chr15-44667196-A-G. GRCh37 (hg19) VCF-style: chr15-44959394-A-G.
Other names: c.1373T>C, p.Ile458Thr (NM_001145112.2, NM_001387261.1, NM_001387262.1); c.806T>C, p.Ile269Thr (NM_001330283.2); c.1280T>C, p.Ile427Thr (NM_001387260.1, NM_001387264.1); short protein forms I269T, I427T, I458T.
Identifiers: ClinVar variation 5019954 (VCV005019954.1).

ClinVar aggregate classification (germline): Uncertain significance (1 of 4 stars; one submission).

Conditions:
Oocyte maturation defect 4. Also called: OOCYTE/ZYGOTE/EMBRYO MATURATION ARREST 4. Identifiers: MedGen C4540284, MONDO:0021575, OMIM 617743.

Submission:

Juno Genomics, Hangzhou Juno Genomics, Inc
Classification: Uncertain significance for Oocyte maturation defect 4. Review status: criteria provided, single submitter. Criteria: ACMG Guidelines, 2015. Collection method: clinical testing. Allele origin: germline. Affected: yes.
Comment: Absent from controls (or at extremely low frequency if recessive) in Genome Aggregation Database.;For recessive disorders, detected in trans with a pathogenic variant.;Patient's phenotype or family history is highly specific for a disease with a single genetic etiology.